The following is an entry in ClinVar:

NM_004557.4(NOTCH4):c.1044C>T (p.Gly348=)

Gene: NOTCH4 (notch receptor 4; minus strand). Cytogenetic location: 6p21.32.
Variant type: single nucleotide variant.
Coding change: c.1044C>T on transcript NM_004557.4 (MANE Select); coding-DNA position 1044, C replaced by T.
Protein change: p.Gly348=; no amino-acid change (glycine 348 retained).
Molecular consequence: synonymous variant. On other transcripts: non-coding transcript variant (2).
Genome position (GRCh38, 1-based): chr6:32,220,520, G>A on the plus strand (C>T on the coding strand, the complement: NOTCH4 is on the minus strand). VCF-style: chr6-32220520-G-A. GRCh37 (hg19) VCF-style: chr6-32188297-G-A.
Identifiers: ClinVar variation 3905326 (VCV003905326.10).

ClinVar aggregate classification (germline): Likely benign (1 of 4 stars; one submission).

gnomAD v4.1: 176 of 1,612,728 alleles (0.011%); highest among the groups gnomAD compares: East Asian, 0.14%; no homozygotes.

Submission:

CeGaT Center for Human Genetics Tuebingen
Classification: Likely benign. Last evaluated: 2025-04-01. Review status: criteria provided, single submitter. Criteria: CeGaT Center For Human Genetics Tuebingen Variant Classification Criteria Version 2. Collection method: clinical testing. Allele origin: germline. Affected: yes. Observed: 1 variant allele.
Comment: NOTCH4: BP4, BP7